The following is an entry in ClinVar:

ClinVar aggregate classification (germline): Likely pathogenic (1 of 4 stars; one submission).

Conditions:
Dyskeratosis congenita, X-linked (DKCX). Also called: Zinsser-Cole-Engman Syndrome. Identifiers: MedGen C1148551, MONDO:0010584, OMIM 305000.

Submission:

Centre for Mendelian Genomics, University Medical Centre Ljubljana
Classification: Likely pathogenic for Dyskeratosis congenita, X-linked. Last evaluated: 2016-01-01. Review status: criteria provided, single submitter. Criteria: ACMG Guidelines, 2015. Collection method: clinical testing. Allele origin: unknown. Affected: yes.
Comment: This variant was classified as: Likely pathogenic. The following ACMG criteria were applied in classifying this variant: PM1,PM2,PP2,PP3. This variant was detected in hemizygous state.

NM_001363.5(DKC1):c.133G>A (p.Ala45Thr)

Gene: DKC1 (dyskerin pseudouridine synthase 1; plus strand). Cytogenetic location: Xq28.
Variant type: single nucleotide variant.
Coding change: c.133G>A on transcript NM_001363.5 (MANE Select); coding-DNA position 133, G replaced by A.
Protein change: p.Ala45Thr; replaces alanine 45 with threonine.
Molecular consequence: missense variant. On other transcripts: non-coding transcript variant (3).
Genome position (GRCh38, 1-based): chrX:154,765,492, G>A. VCF-style: chrX-154765492-G-A. GRCh37 (hg19) VCF-style: chrX-153993767-G-A.
Other names: c.133G>A, p.Ala45Thr (NM_001142463.3, NM_001288747.2); short protein forms A45T.
Identifiers: ClinVar variation 930355 (VCV000930355.3), dbSNP rs2071733846, ClinGen allele CA414888926.